The following is an entry in ClinVar:

NM_001267550.2(TTN):c.63981A>G (p.Val21327=)

Genes: TTN (titin; minus strand), TTN-AS1 (TTN antisense RNA 1; plus strand). Cytogenetic location: 2q31.2.
Variant type: single nucleotide variant.
Coding change: c.63981A>G on transcript NM_001267550.2 (MANE Select); coding-DNA position 63981, A replaced by G.
Protein change: p.Val21327=; no amino-acid change (valine 21327 retained).
Molecular consequence: synonymous variant.
Genome position (GRCh38, 1-based): chr2:178,587,230, T>C on the plus strand (A>G on the coding strand, the complement: TTN is on the minus strand). VCF-style: chr2-178587230-T-C. GRCh37 (hg19) VCF-style: chr2-179451957-T-C.
Other names: c.59058A>G, p.Val19686= (NM_001256850.1); c.56277A>G, p.Val18759= (NM_133378.4); c.36786A>G, p.Val12262= (NM_003319.4); c.37161A>G, p.Val12387= (NM_133432.3); c.37362A>G, p.Val12454= (NM_133437.4).
Identifiers: ClinVar variation 47204 (VCV000047204.31), dbSNP rs397517656, ClinGen allele CA140322.

ClinVar aggregate classification (germline): Benign/Likely benign. Review status: criteria provided, multiple submitters, no conflicts (2 of 4 stars). 14 submissions from 11 submitters: Benign (6); Likely benign (6). 2 of the submissions do not count toward it. Last evaluated 2025-11-27.

Conditions:
TTN-related disorder. Also called: TTN-related condition; TTN-related disease; TTN-related disorders.
Cardiovascular phenotype. Identifiers: MedGen CN230736.
Autosomal recessive limb-girdle muscular dystrophy type 2J (LGMDR10). Also called: Limb-girdle muscular dystrophy, type 2J; MUSCULAR DYSTROPHY, LIMB-GIRDLE, AUTOSOMAL RECESSIVE 10. Identifiers: Orphanet 140922, MedGen C1837342, MONDO:0012127, OMIM 608807.
Dilated cardiomyopathy 1G (CMD1G). Identifiers: Orphanet 154, MedGen C1858763, MONDO:0011400, OMIM 604145.
Cardiomyopathy (CMYO). Also called: Cardiomyopathies. Identifiers: Orphanet 167848, MedGen C0878544, MONDO:0004994, HP:0001638. Inheritance: Various modes of inheritance.
Myopathy, myofibrillar, 9, with early respiratory failure (MFM9). Also called: Hereditary myopathy with early respiratory failure; EDSTROM MYOPATHY; MYOPATHY, PROXIMAL, WITH EARLY RESPIRATORY MUSCLE INVOLVEMENT; Myopathy, distal, with early respiratory failure, autosomal dominant. Identifiers: Orphanet 178464, Orphanet 34521, MedGen C1863599, MONDO:0011362, OMIM 603689.
Early-onset myopathy with fatal cardiomyopathy (CMYO5). Also called: Salih Myopathy; CONGENITAL MYOPATHY 5 WITH CARDIOMYOPATHY. Identifiers: Orphanet 289377, MedGen C2673677, MONDO:0012714, OMIM 611705. Disease mechanism: loss of function.
Tibial muscular dystrophy (TMD). Also called: Tibial muscular dystrophy, tardive; UDD MYOPATHY; Udd Distal Myopathy – Tibial Muscular Dystrophy. Identifiers: Orphanet 609, MedGen C1838244, MONDO:0010870, OMIM 600334.

Allele frequency attached by ClinVar (database versions not stated): gnomAD 0.00001 and 0.00003; TOPMed 0.00009; gnomAD exomes 0.00015 and 0.00030; ExAC 0.00026.
gnomAD v4.1: 225 of 1,613,096 alleles (0.014%); highest among the groups gnomAD compares: South Asian, 0.23%; 5 homozygotes.

Submissions (14):

Labcorp Genetics (formerly Invitae), Labcorp
Classification: Benign for Dilated cardiomyopathy 1G; Autosomal recessive limb-girdle muscular dystrophy type 2J. Last evaluated: 2025-11-27. Review status: criteria provided, single submitter. Criteria: Invitae Variant Classification Sherloc (09022015). Collection method: clinical testing. Allele origin: germline.

PreventionGenetics, part of Exact Sciences
Classification: Likely benign for TTN-related condition. Last evaluated: 2025-09-29. Review status: criteria provided, single submitter. Criteria: ACMG Guidelines, 2015. Collection method: clinical testing. Allele origin: germline.
Comment: This variant is classified as likely benign based on ACMG/AMP sequence variant interpretation guidelines (Richards et al. 2015 PMID: 25741868, with internal and published modifications).

Blueprint Genetics
Classification: Likely benign. Last evaluated: 2024-07-02. Review status: criteria provided, single submitter. Criteria: ACMG Guidelines, 2015. Collection method: clinical testing. Allele origin: germline.

CHEO Genetics Diagnostic Laboratory, Children's Hospital of Eastern Ontario
Classification: Benign for Cardiomyopathy. Last evaluated: 2023-06-19. Review status: criteria provided, single submitter. Criteria: ACMG Guidelines, 2015. Collection method: clinical testing. Allele origin: germline.

Genome-Nilou Lab
Classification: Benign for Autosomal recessive limb-girdle muscular dystrophy type 2J. Last evaluated: 2021-09-10. Review status: criteria provided, single submitter. Criteria: ACMG Guidelines, 2015. Collection method: clinical testing. Allele origin: germline. Affected: no.

Genome-Nilou Lab
Classification: Benign for Myopathy, myofibrillar, 9, with early respiratory failure. Last evaluated: 2021-09-10. Review status: criteria provided, single submitter. Criteria: ACMG Guidelines, 2015. Collection method: clinical testing. Allele origin: germline. Affected: no.

Genome-Nilou Lab
Classification: Benign for Early-onset myopathy with fatal cardiomyopathy. Last evaluated: 2021-09-10. Review status: criteria provided, single submitter. Criteria: ACMG Guidelines, 2015. Collection method: clinical testing. Allele origin: germline. Affected: no.

Genome-Nilou Lab
Classification: Benign for Tibial muscular dystrophy. Last evaluated: 2021-09-10. Review status: criteria provided, single submitter. Criteria: ACMG Guidelines, 2015. Collection method: clinical testing. Allele origin: germline. Affected: no.

GeneDx
Classification: Likely benign. Last evaluated: 2020-07-13. Review status: criteria provided, single submitter. Criteria: GeneDx Variant Classification Process June 2021. Collection method: clinical testing. Allele origin: germline. Affected: yes.

Ambry Genetics
Classification: Likely benign for Cardiovascular phenotype. Last evaluated: 2018-07-09. Review status: criteria provided, single submitter. Criteria: Ambry Variant Classification Scheme 2023. Collection method: clinical testing. Allele origin: germline.

Eurofins Ntd Llc (ga)
Classification: Likely benign. Last evaluated: 2017-02-02. Review status: criteria provided, single submitter. Criteria: EGL Classification Definitions 2015. Collection method: clinical testing. Allele origin: germline. Observed: 1 variant allele, 1 heterozygote.

Laboratory for Molecular Medicine, Mass General Brigham Personalized Medicine
Classification: Likely benign. Last evaluated: 2012-08-22. Review status: criteria provided, single submitter. Criteria: LMM Criteria. Collection method: clinical testing. Allele origin: germline. Observed: 1 variant allele.
Comment: Val18759Val in exon 256 of TTN: This variant is not expected to have clinical si gnificance because it does not alter an amino acid residue and is not located wi thin the splice consensus sequence. Val18759Val in exon 256 of TTN (allele freq uency = n/a)

Clinical Genetics DNA and cytogenetics Diagnostics Lab, Erasmus MC, Erasmus Medical Center
Classification: Likely benign. Review status: no assertion criteria provided. Collection method: clinical testing. Allele origin: germline. Affected: yes. Study: VKGL Data-share Consensus. Not counted in ClinVar's aggregate classification.

Joint Genome Diagnostic Labs from Nijmegen and Maastricht, Radboudumc and MUMC+
Classification: Likely benign. Review status: no assertion criteria provided. Collection method: clinical testing. Allele origin: germline. Affected: yes. Study: VKGL Data-share Consensus. Not counted in ClinVar's aggregate classification.